The following is an entry in ClinVar:

ClinVar aggregate classification (germline): Conflicting classifications of pathogenicity. Review status: criteria provided, conflicting classifications (1 of 4 stars). 6 submissions from 6 submitters: Uncertain significance (5); Likely benign (1). Last evaluated 2024-12-28.

Conditions:
Inborn genetic diseases. Identifiers: MedGen C0950123, MeSH D030342.
Rafiq syndrome (RAFQS). Identifiers: Orphanet 88616, MedGen C3280127, MONDO:0013624, OMIM 614202.

Allele frequency attached by ClinVar (database versions not stated): ExAC 0.00012; gnomAD exomes 0.00014; ESP Exome Variant Server 0.00015; gnomAD 0.00014 and 0.00015; TOPMed 0.00015.
gnomAD v4.1: 286 of 1,611,426 alleles (0.018%); highest among the groups gnomAD compares: Middle Eastern, 0.49%; 1 homozygote.

Submissions (6):

Ambry Genetics
Classification: Uncertain significance for Inborn genetic diseases. Last evaluated: 2024-12-28. Review status: criteria provided, single submitter. Criteria: Ambry Variant Classification Scheme 2023. Collection method: clinical testing. Allele origin: germline.

Labcorp Genetics (formerly Invitae), Labcorp
Classification: Uncertain significance for Rafiq syndrome. Last evaluated: 2024-10-24. Review status: criteria provided, single submitter. Criteria: Invitae Variant Classification Sherloc (09022015). Collection method: clinical testing. Allele origin: germline.
Comment: This sequence change replaces arginine, which is basic and polar, with histidine, which is basic and polar, at codon 614 of the MAN1B1 protein (p.Arg614His). This variant is present in population databases (rs374247020, gnomAD 0.03%). This variant has not been reported in the literature in individuals affected with MAN1B1-related conditions. ClinVar contains an entry for this variant (Variation ID: 129575). An algorithm developed to predict the effect of missense changes on protein structure and function outputs the following: PolyPhen-2: "Benign". The histidine amino acid residue is found in multiple mammalian species, which suggests that this missense change does not adversely affect protein function. In summary, the available evidence is currently insufficient to determine the role of this variant in disease. Therefore, it has been classified as a Variant of Uncertain Significance.

Revvity Omics, Revvity
Classification: Uncertain significance for Rafiq syndrome. Last evaluated: 2023-10-20. Review status: criteria provided, single submitter. Criteria: ACMG Guidelines, 2015. Collection method: clinical testing. Allele origin: germline.

GeneDx
Classification: Likely benign. Last evaluated: 2018-11-27. Review status: criteria provided, single submitter. Criteria: GeneDx Variant Classification Process June 2021. Collection method: clinical testing. Allele origin: germline. Affected: yes.

Eurofins Ntd Llc (ga)
Classification: Uncertain significance. Last evaluated: 2016-12-20. Review status: criteria provided, single submitter. Criteria: EGL Classification Definitions 2015. Collection method: clinical testing. Allele origin: germline. Observed: 1 variant allele, 1 heterozygote.

Genetic Services Laboratory, University of Chicago
Classification: Uncertain significance. Last evaluated: 2014-03-18. Review status: criteria provided, single submitter. Criteria: ACMG Guidelines, 2007. Collection method: clinical testing. Allele origin: germline. Inheritance: Autosomal recessive inheritance.

NM_016219.5(MAN1B1):c.1841G>A (p.Arg614His)

Gene: MAN1B1 (mannosidase alpha class 1B member 1; plus strand). Cytogenetic location: 9q34.3.
Variant type: single nucleotide variant.
Coding change: c.1841G>A on transcript NM_016219.5 (MANE Select); coding-DNA position 1841, G replaced by A.
Protein change: p.Arg614His; replaces arginine 614 with histidine.
Molecular consequence: missense variant. On other transcripts: non-coding transcript variant (2).
Genome position (GRCh38, 1-based): chr9:137,107,607, G>A. VCF-style: chr9-137107607-G-A. GRCh37 (hg19) VCF-style: chr9-140002059-G-A.
Other names: short protein forms R614H.
Identifiers: ClinVar variation 129575 (VCV000129575.22), dbSNP rs374247020, ClinGen allele CA231278.